The following is an entry in ClinVar:

ClinVar aggregate classification (germline): Uncertain significance (1 of 4 stars; one submission).

Allele frequency attached by ClinVar (database versions not stated): gnomAD 0.00001; TOPMed 0.00001.
gnomAD v4.1: 6 of 1,614,018 alleles (0.00037%); highest among the groups gnomAD compares: Non-Finnish European, 0.00051%; no homozygotes.

Submission:

Labcorp Genetics (formerly Invitae), Labcorp
Classification: Uncertain significance. Last evaluated: 2023-06-16. Review status: criteria provided, single submitter. Criteria: Invitae Variant Classification Sherloc (09022015). Collection method: clinical testing. Allele origin: germline.
Comment: Advanced modeling of protein sequence and biophysical properties (such as structural, functional, and spatial information, amino acid conservation, physicochemical variation, residue mobility, and thermodynamic stability) performed at Invitae indicates that this missense variant is not expected to disrupt FAT2 protein function. This variant has not been reported in the literature in individuals affected with FAT2-related conditions. This variant is not present in population databases (gnomAD no frequency). This sequence change replaces leucine, which is neutral and non-polar, with proline, which is neutral and non-polar, at codon 1095 of the FAT2 protein (p.Leu1095Pro). In summary, the available evidence is currently insufficient to determine the role of this variant in disease. Therefore, it has been classified as a Variant of Uncertain Significance.

NM_001447.3(FAT2):c.3284T>C (p.Leu1095Pro)

Gene: FAT2 (FAT atypical cadherin 2; minus strand). Cytogenetic location: 5q33.1.
Variant type: single nucleotide variant.
Coding change: c.3284T>C on transcript NM_001447.3 (MANE Select); coding-DNA position 3284, T replaced by C.
Protein change: p.Leu1095Pro; replaces leucine 1095 with proline.
Molecular consequence: missense variant.
Genome position (GRCh38, 1-based): chr5:151,563,615, A>G on the plus strand (T>C on the coding strand, the complement: FAT2 is on the minus strand). VCF-style: chr5-151563615-A-G. GRCh37 (hg19) VCF-style: chr5-150943176-A-G.
Other names: short protein forms L1095P.
Identifiers: ClinVar variation 2860708 (VCV002860708.3), dbSNP rs777103299, ClinGen allele CA129981354.